The following is an entry in ClinVar:

NM_177550.5(SLC13A5):c.1094C>T (p.Thr365Ile)

Gene: SLC13A5 (solute carrier family 13 member 5; minus strand). Cytogenetic location: 17p13.1.
Variant type: single nucleotide variant.
Coding change: c.1094C>T on transcript NM_177550.5 (MANE Select); coding-DNA position 1094, C replaced by T.
Protein change: p.Thr365Ile; replaces threonine 365 with isoleucine.
Molecular consequence: missense variant.
Genome position (GRCh38, 1-based): chr17:6,694,159, G>A on the plus strand (C>T on the coding strand, the complement: SLC13A5 is on the minus strand). VCF-style: chr17-6694159-G-A. GRCh37 (hg19) VCF-style: chr17-6597478-G-A.
Other names: c.965C>T, p.Thr322Ile (NM_001284510.2); c.1094C>T, p.Thr365Ile (NM_001143838.3); c.1043C>T, p.Thr348Ile (NM_001284509.2); short protein forms T322I, T348I, T365I.
Identifiers: ClinVar variation 1364008 (VCV001364008.8), dbSNP rs760586654, ClinGen allele CA8331518.

ClinVar aggregate classification (germline): Uncertain significance (1 of 4 stars; one submission).

Conditions:
Developmental and epileptic encephalopathy, 25 (DEE25). Also called: Developmental and epileptic encephalopathy 25, with amelogenesis imperfecta; Epileptic encephalopathy, early infantile, 25, with amelogenesis imperfecta; Epileptic encephalopathy, early infantile, 25. Identifiers: Orphanet 442835, MedGen C4014621, MONDO:0014392, OMIM 615905.

Allele frequency attached by ClinVar (database versions not stated): gnomAD exomes 0.00001.
gnomAD v4.1: 7 of 1,613,340 alleles (0.00043%); highest among the groups gnomAD compares: South Asian, 0.0044%; no homozygotes.

Submission:

Labcorp Genetics (formerly Invitae), Labcorp
Classification: Uncertain significance for Developmental and epileptic encephalopathy, 25. Last evaluated: 2021-07-02. Review status: criteria provided, single submitter. Criteria: Invitae Variant Classification Sherloc (09022015). Collection method: clinical testing. Allele origin: germline.
Comment: The frequency data for this variant in the population databases is considered unreliable, as metrics indicate poor data quality at this position in the ExAC database. This sequence change replaces threonine with isoleucine at codon 365 of the SLC13A5 protein (p.Thr365Ile). The threonine residue is weakly conserved and there is a moderate physicochemical difference between threonine and isoleucine. This variant has not been reported in the literature in individuals affected with SLC13A5-related conditions. In summary, the available evidence is currently insufficient to determine the role of this variant in disease. Therefore, it has been classified as a Variant of Uncertain Significance. Algorithms developed to predict the effect of missense changes on protein structure and function output the following: SIFT: "Tolerated"; PolyPhen-2: "Benign"; Align-GVGD: "Class C0". The isoleucine amino acid residue is found in multiple mammalian species, which suggests that this missense change does not adversely affect protein function.